The following continues an entry in ClinVar:

NM_000169.3(GLA):c.376A>G (p.Ser126Gly)

ClinVar aggregate classification (germline): Conflicting classifications of pathogenicity. Uncertain significance (3); Benign (3); Likely benign (13).

Submissions 17 to 22 of 22:

Illumina Laboratory Services, Illumina
Classification: Benign for Fabry disease. Last evaluated: 2017-11-29. Review status: criteria provided, single submitter. Criteria: ICSL Variant Classification Criteria 13 December 2019. Collection method: clinical testing. Allele origin: germline.
Comment: This variant was observed as part of a predisposition screen in an ostensibly healthy population. A literature search was performed for the gene, cDNA change, and amino acid change (where applicable). Publications were found based on this search. The evidence from the literature, in combination with allele frequency data from public databases where available, was sufficient to rule this variant out of causing disease. Therefore, this variant is classified as benign.

Laboratory for Molecular Medicine, Mass General Brigham Personalized Medicine
Classification: Likely benign. Last evaluated: 2017-08-06. Review status: criteria provided, single submitter. Criteria: LMM Criteria. Collection method: clinical testing. Allele origin: germline. Observed: 5 variant alleles.
Comment: It has also be en identified in 0.07% (66/90653) of European chromosomes, including 23 hemizygo tes, in the gnomAD database (dbSNP rs149391489 ). Functional studies indicate that the p.Ser126Gly variant may reduce GLA enzym e function by 50%, but the clinical threshold and impact are not well characteri zed (Lukas 2013). A predictive model developed to determine the pathogenicity of variants in the GLA gene suggests that the p.Ser126Gly variant may not be damag ing (Riera 2015), though this information is not predictive enough to rule out p athogenicity. In summary, while the clinical significance of the p.Ser126Gly var iant is not conclusive, given the population frequency, presence of hemizygotes, inconsistency in phenotype in cases, and residual enzyme activity in functional studies, this variant is likely benign.

Genomic Diagnostic Laboratory, Division of Genomic Diagnostics, Children's Hospital of Philadelphia
Classification: Uncertain significance for Fabry's disease. Last evaluated: 2015-06-25. Review status: criteria provided, single submitter. Criteria: DGD Variant Analysis Guidelines. Collection method: clinical testing. Allele origin: unknown.

Diagnostics Centre, Carl Von Ossietzky University Oldenburg
Classification: Uncertain significance. Last evaluated: 2026-05-21. Review status: no assertion criteria provided. Collection method: clinical testing. Allele origin: germline. Affected: yes. Observed: 1 variant allele. Not counted in ClinVar's aggregate classification.

Natera, Inc.
Classification: Likely benign for Fabry disease. Last evaluated: 2020-09-16. Review status: no assertion criteria provided. Collection method: clinical testing. Allele origin: germline. Not counted in ClinVar's aggregate classification.

Gharavi Laboratory, Columbia University
Classification: Uncertain significance. Last evaluated: 2018-09-16. Review status: no assertion criteria provided. Criteria: ACMG Guidelines, 2015. Collection method: research. Allele origin: germline. Affected: no. Not counted in ClinVar's aggregate classification.

Literature cited by the submitters: PubMed 30996283 (cited by Genomenon, Inc); PubMed 39343861 (cited by Genomenon, Inc); PubMed 24626231 (cited by Genomenon, Inc); PubMed 33258999 (cited by Genomenon, Inc); PubMed 32198894 (cited by Genomenon, Inc); PubMed 27676143 (cited by Genomenon, Inc); PubMed 38395389 (cited by Genomenon, Inc); PubMed 36709535 (cited by Genomenon, Inc); PubMed 11531969 (cited by Genomenon, Inc); PubMed 38028489 (cited by Genomenon, Inc); PubMed 22049975 (cited by Genomenon, Inc); PubMed 32023956 (cited by Genomenon, Inc); PubMed 35212486 (cited by Genomenon, Inc and Mayo Clinic Laboratories, Mayo Clinic); PubMed 37774431 (cited by Genomenon, Inc); PubMed 28646478 (cited by 3 submitters); PubMed 31036492 (cited by Genomenon, Inc and Women's Health and Genetics/Laboratory Corporation of America, LabCorp); PubMed 23935525 (cited by 7 submitters); PubMed 38618884 (cited by Genomenon, Inc); PubMed 26866599 (cited by 3 submitters); PubMed 34199132 (cited by Genomenon, Inc); PubMed 27657681 (cited by Genomenon, Inc and Women's Health and Genetics/Laboratory Corporation of America, LabCorp); PubMed 23219219 (cited by 5 submitters); PubMed 29132836 (cited by 4 submitters); PubMed 38469097 (cited by Mayo Clinic Laboratories, Mayo Clinic); PubMed 24582695 (cited by 4 submitters); PubMed 20360539 (cited by 3 submitters); PubMed 25382311 (cited by Women's Health and Genetics/Laboratory Corporation of America, LabCorp and Laboratory for Molecular Medicine, Mass General Brigham Personalized Medicine); PubMed 11889412 (cited by 5 submitters); PubMed 28340804 (cited by Women's Health and Genetics/Laboratory Corporation of America, LabCorp); PubMed 30739116 (cited by Women's Health and Genetics/Laboratory Corporation of America, LabCorp); PubMed 31860127 (cited by Victorian Clinical Genetics Services, Murdoch Childrens Research Institute); PubMed 33036343 (cited by Victorian Clinical Genetics Services, Murdoch Childrens Research Institute); PubMed 22905681 (cited by Broad Center for Mendelian Genomics, Broad Institute of MIT and Harvard and Illumina Laboratory Services, Illumina); PubMed 24015197 (cited by Illumina Laboratory Services, Illumina); PubMed 26990548 (cited by Illumina Laboratory Services, Illumina).